The following is an entry in ClinVar:

ClinVar aggregate classification (germline): Uncertain significance (1 of 4 stars; one submission).

Conditions:
Hyperinsulinism-hyperammonemia syndrome (HHF6). Identifiers: Orphanet 35878, MedGen C1847555, MONDO:0011717, OMIM 606762.

Submission:

Labcorp Genetics (formerly Invitae), Labcorp
Classification: Uncertain significance for Hyperinsulinism-hyperammonemia syndrome. Last evaluated: 2023-09-03. Review status: criteria provided, single submitter. Criteria: Invitae Variant Classification Sherloc (09022015). Collection method: clinical testing. Allele origin: germline.
Comment: In summary, the available evidence is currently insufficient to determine the role of this variant in disease. Therefore, it has been classified as a Variant of Uncertain Significance. Advanced modeling of protein sequence and biophysical properties (such as structural, functional, and spatial information, amino acid conservation, physicochemical variation, residue mobility, and thermodynamic stability) has been performed at Invitae for this missense variant, however the output from this modeling did not meet the statistical confidence thresholds required to predict the impact of this variant on GLUD1 protein function. This variant has not been reported in the literature in individuals affected with GLUD1-related conditions. This variant is not present in population databases (gnomAD no frequency). This sequence change replaces tyrosine, which is neutral and polar, with asparagine, which is neutral and polar, at codon 319 of the GLUD1 protein (p.Tyr319Asn).

NM_005271.5(GLUD1):c.955T>A (p.Tyr319Asn)

Gene: GLUD1 (glutamate dehydrogenase 1; minus strand). Cytogenetic location: 10q23.2.
Variant type: single nucleotide variant.
Coding change: c.955T>A on transcript NM_005271.5 (MANE Select); coding-DNA position 955, T replaced by A.
Protein change: p.Tyr319Asn; replaces tyrosine 319 with asparagine.
Molecular consequence: missense variant.
Genome position (GRCh38, 1-based): chr10:87,061,019, A>T on the plus strand (T>A on the coding strand, the complement: GLUD1 is on the minus strand). VCF-style: chr10-87061019-A-T. GRCh37 (hg19) VCF-style: chr10-88820776-A-T.
Other names: c.556T>A, p.Tyr186Asn (NM_001318900.1); c.454T>A, p.Tyr152Asn (NM_001318901.1, NM_001318902.1, NM_001318904.2 and 2 more transcripts); short protein forms Y152N, Y186N, Y319N.
Identifiers: ClinVar variation 2757531 (VCV002757531.3), dbSNP rs2539820377, ClinGen allele CA377467768.